The following is an entry in ClinVar:

ClinVar aggregate classification (germline): Uncertain significance. Review status: criteria provided, multiple submitters, no conflicts (2 of 4 stars). 2 submissions from 2 submitters: Uncertain significance (2). Last evaluated 2024-10-23.

Submissions (2):

GeneDx
Classification: Uncertain significance. Last evaluated: 2024-10-23. Review status: criteria provided, single submitter. Criteria: GeneDx Variant Classification Process June 2021. Collection method: clinical testing. Allele origin: germline. Affected: yes.
Comment: Not observed at significant frequency in large population cohorts (gnomAD); In silico analysis indicates that this missense variant does not alter protein structure/function; Has not been previously published as pathogenic or benign to our knowledge

Labcorp Genetics (formerly Invitae), Labcorp
Classification: Uncertain significance. Last evaluated: 2022-05-06. Review status: criteria provided, single submitter. Criteria: Invitae Variant Classification Sherloc (09022015). Collection method: clinical testing. Allele origin: germline.
Comment: In summary, the available evidence is currently insufficient to determine the role of this variant in disease. Therefore, it has been classified as a Variant of Uncertain Significance. Algorithms developed to predict the effect of missense changes on protein structure and function output the following: SIFT: "Deleterious"; PolyPhen-2: "Possibly Damaging"; Align-GVGD: "Class C0". The isoleucine amino acid residue is found in multiple mammalian species, which suggests that this missense change does not adversely affect protein function. This variant has not been reported in the literature in individuals affected with DSPP-related conditions. This variant is not present in population databases (gnomAD no frequency). This sequence change replaces serine, which is neutral and polar, with isoleucine, which is neutral and non-polar, at codon 245 of the DSPP protein (p.Ser245Ile).

NM_014208.3(DSPP):c.734G>T (p.Ser245Ile)

Genes: DMP1-AS1 (DMP1 and DSPP antisense RNA 1; minus strand), DSPP (dentin sialophosphoprotein; plus strand). Cytogenetic location: 4q22.1.
Variant type: single nucleotide variant.
Coding change: c.734G>T on transcript NM_014208.3 (MANE Select); coding-DNA position 734, G replaced by T.
Protein change: p.Ser245Ile; replaces serine 245 with isoleucine.
Molecular consequence: missense variant.
Genome position (GRCh38, 1-based): chr4:87,612,920, G>T. VCF-style: chr4-87612920-G-T. GRCh37 (hg19) VCF-style: chr4-88534072-G-T.
Other names: short protein forms S245I.
Identifiers: ClinVar variation 1949862 (VCV001949862.6), dbSNP rs2475881811, ClinGen allele CA357604551.